The following is an entry in ClinVar:

ClinVar aggregate classification (germline): Uncertain significance (1 of 4 stars; one submission).

Submission:

Dasa
Classification: Uncertain significance. Last evaluated: 2026-07-04. Review status: criteria provided, single submitter. Criteria: DASA Assertion Criteria. Collection method: clinical testing. Allele origin: germline.
Comment: NM_022893.4(BCL11A):c.2299G>A (p.Glu767Lys) is a missense variant that results in the substitution of glutamic acid with lysine. This variant is absent from population databases. The currently available literature and clinical evidence are not sufficient to establish a definitive association between this variant and the reported condition. Therefore, this variant is classified as a variant of uncertain significance.

NM_022893.4(BCL11A):c.2299G>A (p.Glu767Lys)

Gene: BCL11A (BCL11 transcription factor A; minus strand). Cytogenetic location: 2p16.1.
Variant type: single nucleotide variant.
Coding change: c.2299G>A on transcript NM_022893.4 (MANE Select); coding-DNA position 2299, G replaced by A.
Protein change: p.Glu767Lys; replaces glutamic acid 767 with lysine.
Molecular consequence: missense variant. On other transcripts: intron variant (13).
Genome position (GRCh38, 1-based): chr2:60,460,613, C>T on the plus strand (G>A on the coding strand, the complement: BCL11A is on the minus strand). VCF-style: chr2-60460613-C-T. GRCh37 (hg19) VCF-style: chr2-60687748-C-T.
Other names: c.2197G>A, p.Glu733Lys (NM_001363864.1, NM_001365609.1, NM_001405711.1 and 1 more transcripts); c.2299G>A, p.Glu767Lys (NM_001405708.1, NM_001405709.1, NM_001405710.1); c.2143G>A, p.Glu715Lys (NM_001405713.1, NM_001405714.1, NM_001405715.1 and 1 more transcripts); c.2041G>A, p.Glu681Lys (NM_001405717.1, NM_001405718.1); c.1966G>A, p.Glu656Lys (NM_001405720.1, NM_001405721.1); c.1843G>A, p.Glu615Lys (NM_001405725.1, NM_001405726.1, NM_001405727.1 and 1 more transcripts); c.474+1669G>A (NM_001405734.1, NM_001405735.1); c.2074+69G>A (NM_001405723.1, NM_001405722.1); and 9 more; short protein forms E536K, E615K, E656K, E681K, E715K, E733K, E767K.
Identifiers: ClinVar variation 5020248 (VCV005020248.1).